The following is an entry in ClinVar:

NM_001040142.2(SCN2A):c.2684T>A (p.Phe895Tyr)

Gene: SCN2A (sodium voltage-gated channel alpha subunit 2; plus strand). Cytogenetic location: 2q24.3.
Variant type: single nucleotide variant.
Coding change: c.2684T>A on transcript NM_001040142.2 (MANE Select); coding-DNA position 2684, T replaced by A.
Protein change: p.Phe895Tyr; replaces phenylalanine 895 with tyrosine.
Molecular consequence: missense variant.
Genome position (GRCh38, 1-based): chr2:165,344,676, T>A. VCF-style: chr2-165344676-T-A. GRCh37 (hg19) VCF-style: chr2-166201186-T-A.
Other names: c.2684T>A, p.Phe895Tyr (NM_001040143.2, NM_001371246.1, NM_001371247.1 and 1 more transcripts); short protein forms F895Y.
Identifiers: ClinVar variation 1524775 (VCV001524775.11), dbSNP rs1421192666, ClinGen allele CA349014427.
Genomic context (GRCh38, chr2:165,344,676, plus strand): 5'-GCAATTCTGTGGGGGCTCTAGGAAACCTCACCTTGGTATTGGCCATCATCGTCTTCATTT[T>A]TGCTGTGGTCGGCATGCAGCTCTTTGGTAAGAGCTACAAAGAATGTGTCTGCAAGATTTC-3'
Protein context (NP_001035232.1, residues 885-905): TLVLAIIVFI[Phe895Tyr]AVVGMQLFGK

ClinVar aggregate classification (germline): Uncertain significance. Review status: criteria provided, multiple submitters, no conflicts (2 of 4 stars). 3 submissions from 3 submitters: Uncertain significance (3). Last evaluated 2025-04-22.

Conditions:
Developmental and epileptic encephalopathy, 11 (DEE11). Also called: Early infantile epileptic encephalopathy 11. Identifiers: Orphanet 1934, MedGen C3150987, MONDO:0013388, OMIM 613721.
Seizures, benign familial infantile, 3 (BFIS3). Also called: Familial neonatal seizures; CONVULSIONS, BENIGN FAMILIAL INFANTILE, 3. Identifiers: Orphanet 140927, Orphanet 306, MedGen C1843140, MONDO:0011904, OMIM 607745.
Episodic ataxia, type 9. Identifiers: MedGen C5394520, MONDO:0030064, OMIM 618924.

Allele frequency attached by ClinVar (database versions not stated): gnomAD exomes below 0.00001.
gnomAD v4.1: 3 of 1,614,178 alleles (0.00019%); highest among the groups gnomAD compares: Non-Finnish European, 0.00025%; no homozygotes.

Submissions (3):

GeneDx
Classification: Uncertain significance. Last evaluated: 2025-04-22. Review status: criteria provided, single submitter. Criteria: GeneDx Variant Classification Process June 2021. Collection method: clinical testing. Allele origin: germline. Affected: yes.
Comment: Not observed at significant frequency in large population cohorts (gnomAD); In silico analysis supports that this missense variant has a deleterious effect on protein structure/function; This substitution is predicted to be within the transmembrane segment S5 of the second homologous domain; Has not been previously published as pathogenic or benign to our knowledge

Department of Pathology and Laboratory Medicine, Sinai Health System
Classification: Uncertain significance for Seizures, benign familial infantile, 3; Developmental and epileptic encephalopathy, 11; Episodic ataxia, type 9. Last evaluated: 2022-02-03. Review status: criteria provided, single submitter. Criteria: ACMG Guidelines, 2015. Collection method: research. Allele origin: germline.

Labcorp Genetics (formerly Invitae), Labcorp
Classification: Uncertain significance for Seizures, benign familial infantile, 3; Developmental and epileptic encephalopathy, 11. Last evaluated: 2021-02-05. Review status: criteria provided, single submitter. Criteria: Invitae Variant Classification Sherloc (09022015). Collection method: clinical testing. Allele origin: germline.
Comment: This variant is not present in population databases (ExAC no frequency). This sequence change replaces phenylalanine with tyrosine at codon 895 of the SCN2A protein (p.Phe895Tyr). The phenylalanine residue is highly conserved and there is a small physicochemical difference between phenylalanine and tyrosine. In summary, the available evidence is currently insufficient to determine the role of this variant in disease. Therefore, it has been classified as a Variant of Uncertain Significance. Algorithms developed to predict the effect of missense changes on protein structure and function are either unavailable or do not agree on the potential impact of this missense change (SIFT: "Deleterious"; PolyPhen-2: "Probably Damaging"; Align-GVGD: "Class C0"). This variant has not been reported in the literature in individuals with SCN2A-related conditions.